The following is an entry in ClinVar:

ClinVar aggregate classification (germline): Likely benign. Review status: criteria provided, multiple submitters, no conflicts (2 of 4 stars). 4 submissions from 4 submitters: Likely benign (4). Last evaluated 2024-07-01.

Conditions:
Bloom syndrome (BLM). Also called: Bloom-Torre-Machacek syndrome. Identifiers: Orphanet 125, MedGen C0005859, MONDO:0008876, OMIM 210900.
Hereditary cancer-predisposing syndrome. Also called: Neoplastic Syndromes, Hereditary; Tumor predisposition; Hereditary Cancer Syndrome; Hereditary neoplastic syndrome. Identifiers: Orphanet 140162, MedGen C0027672, MeSH D009386, MONDO:0015356.

Allele frequency attached by ClinVar (database versions not stated): gnomAD exomes 0.00001; TOPMed 0.00001; gnomAD 0.00002.
gnomAD v4.1: 10 of 1,609,176 alleles (0.00062%); highest among the groups gnomAD compares: Non-Finnish European, 0.00085%; no homozygotes.

Submissions (4):

CeGaT Center for Human Genetics Tuebingen
Classification: Likely benign. Last evaluated: 2024-07-01. Review status: criteria provided, single submitter. Criteria: CeGaT Center For Human Genetics Tuebingen Variant Classification Criteria Version 2. Collection method: clinical testing. Allele origin: germline. Affected: yes. Observed: 1 variant allele.
Comment: BLM: BP4, BP7

Labcorp Genetics (formerly Invitae), Labcorp
Classification: Likely benign for Bloom syndrome. Last evaluated: 2024-02-19. Review status: criteria provided, single submitter. Criteria: Invitae Variant Classification Sherloc (09022015). Collection method: clinical testing. Allele origin: germline.

Quest Diagnostics Nichols Institute San Juan Capistrano
Classification: Likely benign. Last evaluated: 2023-01-12. Review status: criteria provided, single submitter. Criteria: Quest Diagnostics criteria. Collection method: clinical testing. Allele origin: unknown.

Ambry Genetics
Classification: Likely benign for Hereditary cancer-predisposing syndrome. Last evaluated: 2019-05-20. Review status: criteria provided, single submitter. Criteria: Ambry Variant Classification Scheme 2023. Collection method: clinical testing. Allele origin: germline.

NM_000057.4(BLM):c.2655C>T (p.His885=)

Gene: BLM (BLM RecQ like helicase; plus strand). Cytogenetic location: 15q26.1.
Variant type: single nucleotide variant.
Coding change: c.2655C>T on transcript NM_000057.4 (MANE Select); coding-DNA position 2655, C replaced by T.
Protein change: p.His885=; no amino-acid change (histidine 885 retained).
Molecular consequence: synonymous variant.
Genome position (GRCh38, 1-based): chr15:90,782,921, C>T. VCF-style: chr15-90782921-C-T. GRCh37 (hg19) VCF-style: chr15-91326151-C-T.
Other names: c.2655C>T, p.His885= (NM_001287246.2, NM_001287247.2); c.1530C>T, p.His510= (NM_001287248.2).
Identifiers: ClinVar variation 703869 (VCV000703869.30), dbSNP rs1404506326, ClinGen allele CA492161792.